The following is an entry in ClinVar:

NM_001457.4(FLNB):c.7323G>A (p.Met2441Ile)

Genes: FLNB (filamin B; plus strand), FLNB-AS1 (FLNB antisense RNA 1; minus strand). Cytogenetic location: 3p14.3.
Variant type: single nucleotide variant.
Coding change: c.7323G>A on transcript NM_001457.4 (MANE Select); coding-DNA position 7323, G replaced by A.
Protein change: p.Met2441Ile; replaces methionine 2441 with isoleucine.
Molecular consequence: missense variant.
Genome position (GRCh38, 1-based): chr3:58,168,564, G>A. VCF-style: chr3-58168564-G-A. GRCh37 (hg19) VCF-style: chr3-58154291-G-A.
Other names: c.7416G>A, p.Met2472Ile (NM_001164317.2); c.7290G>A, p.Met2430Ile (NM_001164318.2); c.7251G>A, p.Met2417Ile (NM_001164319.2); short protein forms M2472I, M2430I, M2441I, M2417I.
Identifiers: ClinVar variation 5006689 (VCV005006689.2).

ClinVar aggregate classification (germline): Uncertain significance (1 of 4 stars; one submission).

Conditions:
Larsen syndrome (LRS). Also called: Larsen syndrome (FLNB-LS); Bilateral dislocation of the knees, pes cavus, cylindrically shaped fingers and characteristic facies. Identifiers: Orphanet 503, MedGen C0175778, MONDO:0007875, OMIM 150250. Disease mechanism: loss of function.

Submission:

Juno Genomics, Hangzhou Juno Genomics, Inc
Classification: Uncertain significance for Larsen syndrome. Review status: criteria provided, single submitter. Criteria: ACMG Guidelines, 2015. Collection method: clinical testing. Allele origin: germline.
Comment: Absent from controls (or at extremely low frequency if recessive) in Genome Aggregation Database.;Missense variant in a gene that has a low rate of benign missense variation.;Multiple lines of computational evidence suggest no impact on gene or gene product.